The following is an entry in ClinVar:

NM_000304.4(PMP22):c.98G>A (p.Gly33Glu)

Gene: PMP22 (peripheral myelin protein 22; minus strand). Cytogenetic location: 17p12.
Variant type: single nucleotide variant.
Coding change: c.98G>A on transcript NM_000304.4 (MANE Select); coding-DNA position 98, G replaced by A.
Protein change: p.Gly33Glu; replaces glycine 33 with glutamic acid.
Molecular consequence: missense variant. On other transcripts: non-coding transcript variant (1).
Genome position (GRCh38, 1-based): chr17:15,259,174, C>T on the plus strand (G>A on the coding strand, the complement: PMP22 is on the minus strand). VCF-style: chr17-15259174-C-T. GRCh37 (hg19) VCF-style: chr17-15162491-C-T.
Other names: c.98G>A, p.Gly33Glu (NM_001281455.2, NM_001281456.2, NM_001330143.2 and 2 more transcripts); short protein forms G33E.
Identifiers: ClinVar variation 963601 (VCV000963601.6), dbSNP rs754175558, ClinGen allele CA8403431.
Genomic context (GRCh38, chr17:15,259,174, plus strand): 5'-CAGTGGTGGACATTTCCTGAGGAAGAGGTGCTACAGTTCTGCCAGAGATCAGTTGCGTGT[C>T]CATTGCCCACGATCCATTGCTAGAGAGAATCAGATAGATATCCTGAGTCAGGGAGGGAGG-3'
Protein context (NP_000295.1, residues 23-43): TIVSQWIVGN[Gly33Glu]HATDLWQNCS

ClinVar aggregate classification (germline): Uncertain significance (1 of 4 stars; one submission).

Conditions:
Charcot-Marie-Tooth disease, type I (CMT1). Also called: Charcot-Marie-Tooth, Type 1; Charcot-Marie-Tooth disease type 1. Identifiers: Orphanet 65753, MedGen C0751036, MONDO:0019011.

Allele frequency attached by ClinVar (database versions not stated): ExAC 0.00001; gnomAD 0.00001; gnomAD exomes 0.00001; TOPMed 0.00001.
gnomAD v4.1: 10 of 1,613,060 alleles (0.00062%); highest among the groups gnomAD compares: Non-Finnish European, 0.00085%; no homozygotes.

Submission:

Labcorp Genetics (formerly Invitae), Labcorp
Classification: Uncertain significance for Charcot-Marie-Tooth disease, type I. Last evaluated: 2024-12-16. Review status: criteria provided, single submitter. Criteria: Invitae Variant Classification Sherloc (09022015). Collection method: clinical testing. Allele origin: germline.
Comment: This sequence change replaces glycine, which is neutral and non-polar, with glutamic acid, which is acidic and polar, at codon 33 of the PMP22 protein (p.Gly33Glu). This variant is present in population databases (rs754175558, gnomAD 0.003%). This variant has not been reported in the literature in individuals affected with PMP22-related conditions. ClinVar contains an entry for this variant (Variation ID: 963601). Invitae Evidence Modeling of protein sequence and biophysical properties (such as structural, functional, and spatial information, amino acid conservation, physicochemical variation, residue mobility, and thermodynamic stability) indicates that this missense variant is not expected to disrupt PMP22 protein function with a negative predictive value of 95%. In summary, the available evidence is currently insufficient to determine the role of this variant in disease. Therefore, it has been classified as a Variant of Uncertain Significance.